The following is an entry in ClinVar:

ClinVar aggregate classification (germline): Uncertain significance (1 of 4 stars; one submission).

Conditions:
Inborn genetic diseases. Identifiers: MedGen C0950123, MeSH D030342.

Submission:

Ambry Genetics
Classification: Uncertain significance for Inborn genetic diseases. Last evaluated: 2025-04-05. Review status: criteria provided, single submitter. Criteria: Ambry Variant Classification Scheme 2023. Collection method: clinical testing. Allele origin: germline.
Comment: The p.K1055N variant (also known as c.3165G>T), located in coding exon 14 of the ATP7B gene, results from a G to T substitution at nucleotide position 3165. The lysine at codon 1055 is replaced by asparagine, an amino acid with similar properties. This amino acid position is conserved. In addition, the in silico prediction for this alteration is inconclusive. Based on the available evidence, the clinical significance of this variant remains unclear.

NM_000053.4(ATP7B):c.3165G>T (p.Lys1055Asn)

Gene: ATP7B (ATPase copper transporting beta; minus strand). Cytogenetic location: 13q14.3.
Variant type: single nucleotide variant.
Coding change: c.3165G>T on transcript NM_000053.4 (MANE Select); coding-DNA position 3165, G replaced by T.
Protein change: p.Lys1055Asn; replaces lysine 1055 with asparagine.
Molecular consequence: missense variant. On other transcripts: intron variant (1).
Genome position (GRCh38, 1-based): chr13:51,944,187, C>A on the plus strand (G>T on the coding strand, the complement: ATP7B is on the minus strand). VCF-style: chr13-51944187-C-A. GRCh37 (hg19) VCF-style: chr13-52518323-C-A.
Other names: c.2544G>T, p.Lys848Asn (NM_001005918.3); c.2832G>T, p.Lys944Asn (NM_001243182.2); c.2931G>T, p.Lys977Asn (NM_001330578.2, NM_001406527.1, NM_001406528.1 and 1 more transcripts); c.2913G>T, p.Lys971Asn (NM_001330579.2, NM_001406531.1, NM_001406532.1); c.3165G>T, p.Lys1055Asn (NM_001406511.1, NM_001406512.1, NM_001406526.1); c.3159G>T, p.Lys1053Asn (NM_001406513.1); c.3132G>T, p.Lys1044Asn (NM_001406514.1); c.3111G>T, p.Lys1037Asn (NM_001406515.1, NM_001406516.1); and 19 more; short protein forms K1010N, K774N, K848N, K906N, K912N, K939N, K944N, K990N.
Identifiers: ClinVar variation 3973802 (VCV003973802.1).